The following is an entry in ClinVar:

NM_003072.5(SMARCA4):c.1977A>C (p.Glu659Asp)

Gene: SMARCA4 (SWI/SNF related BAF chromatin remodeling complex subunit ATPase 4; plus strand). Cytogenetic location: 19p13.2.
Variant type: single nucleotide variant.
Coding change: c.1977A>C on transcript NM_003072.5 (MANE Select); coding-DNA position 1977, A replaced by C.
Protein change: p.Glu659Asp; replaces glutamic acid 659 with aspartic acid.
Molecular consequence: missense variant. On other transcripts: non-coding transcript variant (1).
Genome position (GRCh38, 1-based): chr19:11,003,373, A>C. VCF-style: chr19-11003373-A-C. GRCh37 (hg19) VCF-style: chr19-11114049-A-C.
Other names: c.1977A>C, p.Glu659Asp (NM_001128844.3, NM_001128845.2, NM_001128846.2 and 6 more transcripts); short protein forms E659D.
Identifiers: ClinVar variation 2962766 (VCV002962766.3), dbSNP rs2146109078, ClinGen allele CA404052205.

ClinVar aggregate classification (germline): Uncertain significance (1 of 4 stars; one submission).

Conditions:
Rhabdoid tumor predisposition syndrome 2 (RTPS2). Identifiers: Orphanet 231108, Orphanet 69077, MedGen C2750074, MONDO:0013224, OMIM 613325.

Submission:

Labcorp Genetics (formerly Invitae), Labcorp
Classification: Uncertain significance for Rhabdoid tumor predisposition syndrome 2. Last evaluated: 2023-11-01. Review status: criteria provided, single submitter. Criteria: Invitae Variant Classification Sherloc (09022015). Collection method: clinical testing. Allele origin: germline.
Comment: This sequence change replaces glutamic acid, which is acidic and polar, with aspartic acid, which is acidic and polar, at codon 659 of the SMARCA4 protein (p.Glu659Asp). This variant is not present in population databases (gnomAD no frequency). This variant has not been reported in the literature in individuals affected with SMARCA4-related conditions. Advanced modeling of protein sequence and biophysical properties (such as structural, functional, and spatial information, amino acid conservation, physicochemical variation, residue mobility, and thermodynamic stability) performed at Invitae indicates that this missense variant is not expected to disrupt SMARCA4 protein function with a negative predictive value of 95%. In summary, the available evidence is currently insufficient to determine the role of this variant in disease. Therefore, it has been classified as a Variant of Uncertain Significance.